The following is an entry in ClinVar:

ClinVar aggregate classification (germline): Uncertain significance (1 of 4 stars; one submission).

Conditions:
Dyskeratosis congenita. Identifiers: Orphanet 1775, MedGen C0265965, MONDO:0015780.

Allele frequency attached by ClinVar (database versions not stated): gnomAD exomes below 0.00001; ExAC 0.00003; gnomAD 0.00003; TOPMed 0.00005; ESP Exome Variant Server 0.00008.

Submission:

Labcorp Genetics (formerly Invitae), Labcorp
Classification: Uncertain significance for Dyskeratosis congenita. Last evaluated: 2025-07-27. Review status: criteria provided, single submitter. Criteria: Invitae Variant Classification Sherloc (09022015). Collection method: clinical testing. Allele origin: germline.
Comment: This sequence change replaces asparagine, which is neutral and polar, with histidine, which is basic and polar, at codon 84 of the TINF2 protein (p.Asn84His). This variant is present in population databases (rs370971769, gnomAD 0.02%). This variant has not been reported in the literature in individuals affected with TINF2-related conditions. ClinVar contains an entry for this variant (Variation ID: 1942755). An algorithm developed to predict the effect of missense changes on protein structure and function outputs the following: PolyPhen-2: "Possibly Damaging". The histidine amino acid residue is found in multiple mammalian species, which suggests that this missense change does not adversely affect protein function. In summary, the available evidence is currently insufficient to determine the role of this variant in disease. Therefore, it has been classified as a Variant of Uncertain Significance.

NM_001099274.3(TINF2):c.250A>C (p.Asn84His)

Gene: TINF2 (TERF1 interacting nuclear factor 2; minus strand). Cytogenetic location: 14q12.
Variant type: single nucleotide variant.
Coding change: c.250A>C on transcript NM_001099274.3 (MANE Select); coding-DNA position 250, A replaced by C.
Protein change: p.Asn84His; replaces asparagine 84 with histidine.
Molecular consequence: missense variant. On other transcripts: intron variant (1).
Genome position (GRCh38, 1-based): chr14:24,241,937, T>G on the plus strand (A>C on the coding strand, the complement: TINF2 is on the minus strand). VCF-style: chr14-24241937-T-G. GRCh37 (hg19) VCF-style: chr14-24711143-T-G.
Other names: c.250A>C, p.Asn84His (NM_012461.3); c.193-161A>C (NM_001363668.2); short protein forms N84H.
Identifiers: ClinVar variation 1942755 (VCV001942755.5), dbSNP rs370971769, ClinGen allele CA7130723.
Genomic context (GRCh38, chr14:24,241,937, plus strand): 5'-GGGGATTACTCACAGCCTTGGGATCCCGCACTATAGGTCCAGATTCTGGAAAGTGGTGAT[T>G]CAGGGCTTTCAGGACTTGGGCCCAAGGCCGGCCCTGCAGGATCAGCTCCACCACCACCTG-3'
Protein context (NP_001092744.1, residues 74-94): RPWAQVLKAL[Asn84His]HHFPESGPIV